The following is an entry in ClinVar:

NM_206933.4(USH2A):c.10741-8G>A

Gene: USH2A (usherin; minus strand). Cytogenetic location: 1q41.
Variant type: single nucleotide variant.
Coding change: c.10741-8G>A on transcript NM_206933.4 (MANE Select); 8 bases into the intron before coding-DNA position 10741, G replaced by A.
Molecular consequence: intron variant.
Genome position (GRCh38, 1-based): chr1:215,780,049, C>T on the plus strand (G>A on the coding strand, the complement: USH2A is on the minus strand). VCF-style: chr1-215780049-C-T. GRCh37 (hg19) VCF-style: chr1-215953391-C-T.
Identifiers: ClinVar variation 780298 (VCV000780298.39), dbSNP rs369968349, ClinGen allele CA1393930.
Genomic context (GRCh38, chr1:215,780,049, plus strand): 5'-ATGCTTGGTGGCAGGATGCTCTCCGGAACTCCTTGGGTAGTAGCTGCAACTACCTGAAGA[C>T]GTAGGAATTAAGCAGCAATTTATTGTAATAGTGCACTAGCTATCCTGATCAATGAGAATG-3'

ClinVar aggregate classification (germline): Likely benign. Review status: criteria provided, multiple submitters, no conflicts (2 of 4 stars). 7 submissions from 6 submitters: Likely benign (6). 1 of the submissions does not count toward it. Last evaluated 2026-02-02.

Conditions:
Usher syndrome type 2A. Also called: RETINAL DISEASE IN USHER SYNDROME TYPE IIA, MODIFIER OF; USHER SYNDROME, TYPE IIA. Identifiers: Orphanet 231178, Orphanet 886, MedGen C1848634, MONDO:0010169, OMIM 276901.
Retinitis pigmentosa 39 (RP39). Identifiers: Orphanet 791, MedGen C3151138, MONDO:0013436, OMIM 613809.

Allele frequency attached by ClinVar (database versions not stated): 1000 Genomes Project 0.00040; TOPMed 0.00040; gnomAD 0.00047 and 0.00051; gnomAD exomes 0.00019 and 0.00017; ExAC 0.00023; 1000 Genomes Project 30x 0.00031; ESP Exome Variant Server 0.00062.
gnomAD v4.1: 346 of 1,614,040 alleles (0.021%); highest among the groups gnomAD compares: African/African-American, 0.14%; no homozygotes.

Submissions (7):

Labcorp Genetics (formerly Invitae), Labcorp
Classification: Likely benign. Last evaluated: 2026-02-02. Review status: criteria provided, single submitter. Criteria: Invitae Variant Classification Sherloc (09022015). Collection method: clinical testing. Allele origin: germline.

Blueprint Genetics
Classification: Likely benign. Last evaluated: 2024-08-29. Review status: criteria provided, single submitter. Criteria: ACMG Guidelines, 2015. Collection method: clinical testing. Allele origin: germline.

CeGaT Center for Human Genetics Tuebingen
Classification: Likely benign. Last evaluated: 2023-07-01. Review status: criteria provided, single submitter. Criteria: CeGaT Center For Human Genetics Tuebingen Variant Classification Criteria Version 2. Collection method: clinical testing. Allele origin: germline. Affected: yes. Observed: 1 variant allele.
Comment: USH2A: BP4

Genome-Nilou Lab
Classification: Likely benign for Retinitis pigmentosa 39. Last evaluated: 2023-04-11. Review status: criteria provided, single submitter. Criteria: ACMG Guidelines, 2015. Collection method: clinical testing. Allele origin: germline. Affected: no.

Genome-Nilou Lab
Classification: Likely benign for Usher syndrome type 2A. Last evaluated: 2023-04-11. Review status: criteria provided, single submitter. Criteria: ACMG Guidelines, 2015. Collection method: clinical testing. Allele origin: germline. Affected: no.

GeneDx
Classification: Likely benign. Last evaluated: 2019-06-21. Review status: criteria provided, single submitter. Criteria: GeneDx Variant Classification Process June 2021. Collection method: clinical testing. Allele origin: germline. Affected: yes.

Natera, Inc.
Classification: Uncertain significance for Usher syndrome type 2A. Last evaluated: 2020-01-10. Review status: no assertion criteria provided. Collection method: clinical testing. Allele origin: germline. Not counted in ClinVar's aggregate classification.